The following is an entry in ClinVar:

NM_000136.3(FANCC):c.926T>G (p.Leu309Arg)

Genes: FANCC (FA complementation group C; minus strand), AOPEP (aminopeptidase O (putative); plus strand). Cytogenetic location: 9q22.32.
Variant type: single nucleotide variant.
Coding change: c.926T>G on transcript NM_000136.3 (MANE Select); coding-DNA position 926, T replaced by G.
Protein change: p.Leu309Arg; replaces leucine 309 with arginine.
Molecular consequence: missense variant.
Genome position (GRCh38, 1-based): chr9:95,125,156, A>C on the plus strand (T>G on the coding strand, the complement: FANCC is on the minus strand). VCF-style: chr9-95125156-A-C. GRCh37 (hg19) VCF-style: chr9-97887438-A-C.
Other names: c.926T>G, p.Leu309Arg (NM_001243743.2, NM_001243744.2); short protein forms L309R.
Identifiers: ClinVar variation 485543 (VCV000485543.5), dbSNP rs1554832877, ClinGen allele CA374108975.

ClinVar aggregate classification (germline): Uncertain significance (1 of 4 stars; one submission).

Conditions:
Hereditary cancer-predisposing syndrome. Also called: Tumor predisposition; Hereditary Cancer Syndrome; Hereditary neoplastic syndrome; Neoplastic Syndromes, Hereditary. Identifiers: Orphanet 140162, MedGen C0027672, MeSH D009386, MONDO:0015356.

Submission:

Ambry Genetics
Classification: Uncertain significance for Hereditary cancer-predisposing syndrome. Last evaluated: 2017-09-20. Review status: criteria provided, single submitter. Criteria: Ambry Variant Classification Scheme 2023. Collection method: clinical testing. Allele origin: germline.
Comment: The p.L309R variant (also known as c.926T>G), located in coding exon 9 of the FANCC gene, results from a T to G substitution at nucleotide position 926. The leucine at codon 309 is replaced by arginine, an amino acid with dissimilar properties. This amino acid position is poorly conserved in available vertebrate species. In addition, this alteration is predicted to be tolerated by in silico analysis. Since supporting evidence is limited at this time, the clinical significance of this alteration remains unclear.